The following is an entry in ClinVar:

NM_022552.5(DNMT3A):c.2021T>G (p.Met674Arg)

Gene: DNMT3A (DNA methyltransferase 3 alpha; minus strand). Cytogenetic location: 2p23.3.
Variant type: single nucleotide variant.
Coding change: c.2021T>G on transcript NM_022552.5 (MANE Select); coding-DNA position 2021, T replaced by G.
Protein change: p.Met674Arg; replaces methionine 674 with arginine.
Molecular consequence: missense variant. On other transcripts: non-coding transcript variant (1).
Genome position (GRCh38, 1-based): chr2:25,241,623, A>C on the plus strand (T>G on the coding strand, the complement: DNMT3A is on the minus strand). VCF-style: chr2-25241623-A-C. GRCh37 (hg19) VCF-style: chr2-25464492-A-C.
Other names: c.1565T>G, p.Met522Arg (NM_001320893.1); c.1352T>G, p.Met451Arg (NM_001375819.1); c.1454T>G, p.Met485Arg (NM_153759.3); c.2021T>G, p.Met674Arg (NM_175629.2); short protein forms M451R, M485R, M522R, M674R.
Identifiers: ClinVar variation 3841735 (VCV003841735.1).

ClinVar aggregate classification (germline): Uncertain significance (1 of 4 stars; one submission).

Conditions:
Inborn genetic diseases. Identifiers: MedGen C0950123, MeSH D030342.

Submission:

Ambry Genetics
Classification: Uncertain significance for Inborn genetic diseases. Last evaluated: 2024-12-16. Review status: criteria provided, single submitter. Criteria: Ambry Variant Classification Scheme 2023. Collection method: clinical testing. Allele origin: germline.
Comment: The p.M674R variant (also known as c.2021T>G), located in coding exon 16 of the DNMT3A gene, results from a T to G substitution at nucleotide position 2021. The methionine at codon 674 is replaced by arginine, an amino acid with similar properties. This amino acid position is conserved. In addition, the in silico prediction for this alteration is inconclusive. Based on the available evidence, the clinical significance of this variant remains unclear.